The following is an entry in ClinVar:

NM_001844.5(COL2A1):c.320G>C (p.Gly107Ala)

Gene: COL2A1 (collagen type II alpha 1 chain; minus strand). Cytogenetic location: 12q13.11.
Variant type: single nucleotide variant.
Coding change: c.320G>C on transcript NM_001844.5 (MANE Select); coding-DNA position 320, G replaced by C.
Protein change: p.Gly107Ala; replaces glycine 107 with alanine.
Molecular consequence: missense variant.
Genome position (GRCh38, 1-based): chr12:47,998,191, C>G on the plus strand (G>C on the coding strand, the complement: COL2A1 is on the minus strand). VCF-style: chr12-47998191-C-G. GRCh37 (hg19) VCF-style: chr12-48391974-C-G.
Other names: c.113G>C, p.Gly38Ala (NM_033150.3); short protein forms G107A, G38A.
Identifiers: ClinVar variation 1016139 (VCV001016139.5), dbSNP rs1940054684, ClinGen allele CA384525386.

ClinVar aggregate classification (germline): Uncertain significance (1 of 4 stars; one submission).

Submission:

Labcorp Genetics (formerly Invitae), Labcorp
Classification: Uncertain significance. Last evaluated: 2026-02-01. Review status: criteria provided, single submitter. Criteria: Invitae Variant Classification Sherloc (09022015). Collection method: clinical testing. Allele origin: germline.
Comment: This sequence change replaces glycine, which is neutral and non-polar, with alanine, which is neutral and non-polar, at codon 107 of the COL2A1 protein (p.Gly107Ala). This variant is not present in population databases (gnomAD no frequency). This variant has not been reported in the literature in individuals affected with COL2A1-related conditions. ClinVar contains an entry for this variant (Variation ID: 1016139). Invitae Evidence Modeling of protein sequence and biophysical properties (such as structural, functional, and spatial information, amino acid conservation, physicochemical variation, residue mobility, and thermodynamic stability) indicates that this missense variant is expected to disrupt COL2A1 protein function with a positive predictive value of 95%. In summary, the available evidence is currently insufficient to determine the role of this variant in disease. Therefore, it has been classified as a Variant of Uncertain Significance.